The following is an entry in ClinVar:

NM_000704.3(ATP4A):c.2179G>A (p.Gly727Arg)

Gene: ATP4A (ATPase H+/K+ transporting subunit alpha; minus strand). Cytogenetic location: 19q13.12.
Variant type: single nucleotide variant.
Coding change: c.2179G>A on transcript NM_000704.3 (MANE Select); coding-DNA position 2179, G replaced by A.
Protein change: p.Gly727Arg; replaces glycine 727 with arginine.
Molecular consequence: missense variant.
Genome position (GRCh38, 1-based): chr19:35,555,313, C>T on the plus strand (G>A on the coding strand, the complement: ATP4A is on the minus strand). VCF-style: chr19-35555313-C-T. GRCh37 (hg19) VCF-style: chr19-36046215-C-T.
Other names: short protein forms G727R.
Identifiers: ClinVar variation 4644306 (VCV004644306.2).
Genomic context (GRCh38, chr19:35,555,313, plus strand): 5'-TGCCCATGGCTACTCCGATGTCTGCCTTCTTCAGAGCTGGGGAGTCATTCACACCATCCC[C>T]CGTGACGGCCACAATCGCACCCTGCAGGCAGTGGGTGCAGGTGGTGGGTGGGTGGTCAGT-3'
Protein context (NP_000695.2, residues 717-737): QRLGAIVAVT[Gly727Arg]DGVNDSPALK

ClinVar aggregate classification (germline): Uncertain significance. Review status: criteria provided, multiple submitters, no conflicts (2 of 4 stars). 2 submissions from 2 submitters: Uncertain significance (2). Last evaluated 2025-10-07.

gnomAD v4.1: 2 of 1,614,028 alleles (0.00012%); highest among the groups gnomAD compares: South Asian, 0.0011%; no homozygotes.

Submissions (2):

Ambry Genetics
Classification: Uncertain significance. Last evaluated: 2025-10-07. Review status: criteria provided, single submitter. Criteria: Ambry Variant Classification Scheme 2023. Collection method: clinical testing. Allele origin: germline.

Labcorp Genetics (formerly Invitae), Labcorp
Classification: Uncertain significance. Last evaluated: 2025-03-28. Review status: criteria provided, single submitter. Criteria: Invitae Variant Classification Sherloc (09022015). Collection method: clinical testing. Allele origin: germline.
Comment: This sequence change replaces glycine, which is neutral and non-polar, with arginine, which is basic and polar, at codon 727 of the ATP4A protein (p.Gly727Arg). This variant is present in population databases (rs749693841, gnomAD 0.003%). This variant has not been reported in the literature in individuals affected with ATP4A-related conditions. Invitae Evidence Modeling of protein sequence and biophysical properties (such as structural, functional, and spatial information, amino acid conservation, physicochemical variation, residue mobility, and thermodynamic stability) indicates that this missense variant is expected to disrupt ATP4A protein function with a positive predictive value of 80%. In summary, the available evidence is currently insufficient to determine the role of this variant in disease. Therefore, it has been classified as a Variant of Uncertain Significance.